The following is an entry in ClinVar:

ClinVar aggregate classification (germline): Uncertain significance (1 of 4 stars; one submission).

Allele frequency attached by ClinVar (database versions not stated): gnomAD 0.00001; gnomAD exomes 0.00001; TOPMed 0.00004.

Submission:

Labcorp Genetics (formerly Invitae), Labcorp
Classification: Uncertain significance. Last evaluated: 2022-02-23. Review status: criteria provided, single submitter. Criteria: Invitae Variant Classification Sherloc (09022015). Collection method: clinical testing. Allele origin: germline.
Comment: In summary, the available evidence is currently insufficient to determine the role of this variant in disease. Therefore, it has been classified as a Variant of Uncertain Significance. Algorithms developed to predict the effect of missense changes on protein structure and function output the following: SIFT: "Deleterious"; PolyPhen-2: "Benign"; Align-GVGD: "Class C0". The threonine amino acid residue is found in multiple mammalian species, which suggests that this missense change does not adversely affect protein function. This variant has not been reported in the literature in individuals affected with RAB3GAP1-related conditions. This variant is present in population databases (no rsID available, gnomAD 0.003%). This sequence change replaces methionine, which is neutral and non-polar, with threonine, which is neutral and polar, at codon 176 of the RAB3GAP1 protein (p.Met176Thr).

NM_012233.3(RAB3GAP1):c.527T>C (p.Met176Thr)

Gene: RAB3GAP1 (RAB3 GTPase activating protein catalytic subunit 1; plus strand). Cytogenetic location: 2q21.3.
Variant type: single nucleotide variant.
Coding change: c.527T>C on transcript NM_012233.3 (MANE Select); coding-DNA position 527, T replaced by C.
Protein change: p.Met176Thr; replaces methionine 176 with threonine.
Molecular consequence: missense variant.
Genome position (GRCh38, 1-based): chr2:135,115,260, T>C. VCF-style: chr2-135115260-T-C. GRCh37 (hg19) VCF-style: chr2-135872830-T-C.
Other names: c.527T>C, p.Met176Thr (NM_001172435.2); short protein forms M176T.
Identifiers: ClinVar variation 2416881 (VCV002416881.6), dbSNP rs1033042886, ClinGen allele CA56568692.